The following is an entry in ClinVar:

NM_004006.3(DMD):c.4580G>A (p.Arg1527His)

Gene: DMD (dystrophin; minus strand). Cytogenetic location: Xp21.1.
Variant type: single nucleotide variant.
Coding change: c.4580G>A on transcript NM_004006.3 (MANE Select); coding-DNA position 4580, G replaced by A.
Protein change: p.Arg1527His; replaces arginine 1527 with histidine.
Molecular consequence: missense variant.
Genome position (GRCh38, 1-based): chrX:32,386,404, C>T on the plus strand (G>A on the coding strand, the complement: DMD is on the minus strand). VCF-style: chrX-32386404-C-T. GRCh37 (hg19) VCF-style: chrX-32404521-C-T.
Other names: c.4556G>A, p.Arg1519His (NM_000109.4); c.4568G>A, p.Arg1523His (NM_004009.3); c.4211G>A, p.Arg1404His (NM_004010.3); c.557G>A, p.Arg186His (NM_004011.4); c.548G>A, p.Arg183His (NM_004012.4); short protein forms R1523H, R183H, R186H, R1519H, R1404H, R1527H.
Identifiers: ClinVar variation 839004 (VCV000839004.11), dbSNP rs2097958484, ClinGen allele CA412662677.

ClinVar aggregate classification (germline): Uncertain significance. Review status: criteria provided, multiple submitters, no conflicts (2 of 4 stars). 2 submissions from 2 submitters: Uncertain significance (2). Last evaluated 2025-12-19.

Conditions:
Duchenne muscular dystrophy (DMD). Also called: Duchenne Muscular Dystrophy (DMD); MUSCULAR DYSTROPHY, PSEUDOHYPERTROPHIC PROGRESSIVE, DUCHENNE TYPE. Identifiers: Orphanet 98896, MedGen C0013264, MONDO:0010679, OMIM 310200.
Cardiovascular phenotype. Identifiers: MedGen CN230736.

Allele frequency attached by ClinVar (database versions not stated): gnomAD exomes below 0.00001.
gnomAD v4.1: 1 of 1,207,873 alleles (0.000083%); highest among the groups gnomAD compares: Non-Finnish European, 0.00011%; no homozygotes.

Submissions (2):

Ambry Genetics
Classification: Uncertain significance for Cardiovascular phenotype. Last evaluated: 2025-12-19. Review status: criteria provided, single submitter. Criteria: Ambry Variant Classification Scheme 2023. Collection method: clinical testing. Allele origin: germline.
Comment: The p.R1527H variant (also known as c.4580G>A), located in coding exon 33 of the DMD gene, results from a G to A substitution at nucleotide position 4580. The arginine at codon 1527 is replaced by histidine, an amino acid with highly similar properties. This amino acid position is conserved. In addition, the in silico prediction for this alteration is inconclusive. Based on the available evidence, the clinical significance of this variant remains unclear.

Labcorp Genetics (formerly Invitae), Labcorp
Classification: Uncertain significance for Duchenne muscular dystrophy. Last evaluated: 2022-09-16. Review status: criteria provided, single submitter. Criteria: Invitae Variant Classification Sherloc (09022015). Collection method: clinical testing. Allele origin: germline.
Comment: This sequence change replaces arginine, which is basic and polar, with histidine, which is basic and polar, at codon 1527 of the DMD protein (p.Arg1527His). This variant is not present in population databases (gnomAD no frequency). This variant has not been reported in the literature in individuals affected with DMD-related conditions. ClinVar contains an entry for this variant (Variation ID: 839004). Advanced modeling of protein sequence and biophysical properties (such as structural, functional, and spatial information, amino acid conservation, physicochemical variation, residue mobility, and thermodynamic stability) performed at Invitae indicates that this missense variant is not expected to disrupt DMD protein function. In summary, the available evidence is currently insufficient to determine the role of this variant in disease. Therefore, it has been classified as a Variant of Uncertain Significance.